The following is an entry in ClinVar:

NM_006947.4(SRP72):c.409C>T (p.Arg137Ter)

Gene: SRP72 (signal recognition particle 72; plus strand). Cytogenetic location: 4q12.
Variant type: single nucleotide variant.
Coding change: c.409C>T on transcript NM_006947.4 (MANE Select); coding-DNA position 409, C replaced by T.
Protein change: p.Arg137Ter; replaces arginine 137 with a stop codon.
Molecular consequence: nonsense. On other transcripts: non-coding transcript variant (1).
Genome position (GRCh38, 1-based): chr4:56,474,108, C>T. VCF-style: chr4-56474108-C-T. GRCh37 (hg19) VCF-style: chr4-57340274-C-T.
Other names: c.409C>T, p.Arg137Ter (NM_001267722.2); short protein forms R137*.
Identifiers: ClinVar variation 2446352 (VCV002446352.1), dbSNP rs774306354, ClinGen allele CA2931059.

ClinVar aggregate classification (germline): Uncertain significance (1 of 4 stars; one submission).

Allele frequency attached by ClinVar (database versions not stated): ExAC 0.00001; gnomAD 0.00001; gnomAD exomes 0.00001.
gnomAD v4.1: 9 of 1,613,978 alleles (0.00056%); highest among the groups gnomAD compares: South Asian, 0.0011%; no homozygotes.

Submission:

GeneDx
Classification: Uncertain significance. Last evaluated: 2022-09-27. Review status: criteria provided, single submitter. Criteria: GeneDx Variant Classification Process June 2021. Collection method: clinical testing. Allele origin: germline. Affected: yes.
Comment: Not observed at significant frequency in large population cohorts (gnomAD); Nonsense variant predicted to result in protein truncation or nonsense mediated decay in a gene or region of a gene for which loss of function is not a well-established mechanism of disease; Has not been previously published as pathogenic or benign to our knowledge